The following is an entry in ClinVar:

NM_017654.4(SAMD9):c.3118C>T (p.Arg1040Cys)

Gene: SAMD9 (sterile alpha motif domain containing 9; minus strand). Cytogenetic location: 7q21.2.
Variant type: single nucleotide variant.
Coding change: c.3118C>T on transcript NM_017654.4 (MANE Select); coding-DNA position 3118, C replaced by T.
Protein change: p.Arg1040Cys; replaces arginine 1040 with cysteine.
Molecular consequence: missense variant.
Genome position (GRCh38, 1-based): chr7:93,102,980, G>A on the plus strand (C>T on the coding strand, the complement: SAMD9 is on the minus strand). VCF-style: chr7-93102980-G-A. GRCh37 (hg19) VCF-style: chr7-92732293-G-A.
Other names: c.3118C>T (NM_017654.3); c.3118C>T, p.Arg1040Cys (NM_001193307.2); short protein forms R1040C.
Identifiers: ClinVar variation 1376812 (VCV001376812.11), dbSNP rs201576502, ClinGen allele CA4342747.

ClinVar aggregate classification (germline): Conflicting classifications of pathogenicity. Review status: criteria provided, conflicting classifications (1 of 4 stars). 4 submissions from 4 submitters: Uncertain significance (2); Likely benign (1). 1 of the submissions does not count toward it. Last evaluated 2025-12-17.

Conditions:
SAMD9-related disorder. Also called: SAMD9-related condition.

Allele frequency attached by ClinVar (database versions not stated): ESP Exome Variant Server 0.00015.
gnomAD v4.1: 81 of 1,613,638 alleles (0.005%); highest among the groups gnomAD compares: Non-Finnish European, 0.0061%; no homozygotes.

Submissions (4):

Labcorp Genetics (formerly Invitae), Labcorp
Classification: Uncertain significance. Last evaluated: 2025-12-17. Review status: criteria provided, single submitter. Criteria: Invitae Variant Classification Sherloc (09022015). Collection method: clinical testing. Allele origin: germline.
Comment: This sequence change replaces arginine, which is basic and polar, with cysteine, which is neutral and slightly polar, at codon 1040 of the SAMD9 protein (p.Arg1040Cys). This variant is present in population databases (rs201576502, gnomAD 0.009%). This variant has not been reported in the literature in individuals affected with SAMD9-related conditions. ClinVar contains an entry for this variant (Variation ID: 1376812). Invitae Evidence Modeling of protein sequence and biophysical properties (such as structural, functional, and spatial information, amino acid conservation, physicochemical variation, residue mobility, and thermodynamic stability) has been performed for this missense variant. However, the output from this modeling did not meet the statistical confidence thresholds required to predict the impact of this variant on SAMD9 protein function. In summary, the available evidence is currently insufficient to determine the role of this variant in disease. Therefore, it has been classified as a Variant of Uncertain Significance.

Blueprint Genetics
Classification: Likely benign. Last evaluated: 2024-10-16. Review status: criteria provided, single submitter. Criteria: ACMG Guidelines, 2015. Collection method: clinical testing. Allele origin: germline.

GeneDx
Classification: Uncertain significance. Last evaluated: 2024-04-02. Review status: criteria provided, single submitter. Criteria: GeneDx Variant Classification Process June 2021. Collection method: clinical testing. Allele origin: germline.
Comment: Observed in a previously healthy child with sepsis undergoing genetic testing for underlying causes of primary immunodeficiency (PMID: 32185379); In silico analysis supports that this missense variant has a deleterious effect on protein structure/function; This variant is associated with the following publications: (PMID: 28545555, 32185379)

PreventionGenetics, part of Exact Sciences
Classification: Uncertain significance for SAMD9-related condition. Last evaluated: 2024-01-25. Review status: no assertion criteria provided. Collection method: clinical testing. Allele origin: germline. Not counted in ClinVar's aggregate classification.
Comment: The SAMD9 c.3118C>T variant is predicted to result in the amino acid substitution p.Arg1040Cys. This variant has not been reported in individuals with SAMD9-related conditions; however, it was reported in an individual with sepsis (Borghesi et al. 2020. PubMed ID: 32185379). This variant is reported in 0.0093% of alleles in individuals of European (Non-Finnish) descent in gnomAD. At this time, the clinical significance of this variant is uncertain due to the absence of conclusive functional and genetic evidence.